The following is an entry in ClinVar:

ClinVar aggregate classification (germline): Uncertain significance (1 of 4 stars; one submission).

Allele frequency attached by ClinVar (database versions not stated): gnomAD 0.00001; TOPMed 0.00001.
gnomAD v4.1: 2 of 1,614,062 alleles (0.00012%); highest among the groups gnomAD compares: Non-Finnish European, 0.00017%; no homozygotes.

Submission:

Labcorp Genetics (formerly Invitae), Labcorp
Classification: Uncertain significance. Last evaluated: 2022-06-09. Review status: criteria provided, single submitter. Criteria: Invitae Variant Classification Sherloc (09022015). Collection method: clinical testing. Allele origin: germline.
Comment: This sequence change replaces leucine, which is neutral and non-polar, with valine, which is neutral and non-polar, at codon 190 of the HPS4 protein (p.Leu190Val). This variant is not present in population databases (gnomAD no frequency). This variant has not been reported in the literature in individuals affected with HPS4-related conditions. Algorithms developed to predict the effect of missense changes on protein structure and function (SIFT, PolyPhen-2, Align-GVGD) all suggest that this variant is likely to be tolerated. In summary, the available evidence is currently insufficient to determine the role of this variant in disease. Therefore, it has been classified as a Variant of Uncertain Significance.

NM_022081.6(HPS4):c.568C>G (p.Leu190Val)

Gene: HPS4 (HPS4 biogenesis of lysosomal organelles complex 3 subunit 2; minus strand). Cytogenetic location: 22q12.1.
Variant type: single nucleotide variant.
Coding change: c.568C>G on transcript NM_022081.6 (MANE Select); coding-DNA position 568, C replaced by G.
Protein change: p.Leu190Val; replaces leucine 190 with valine.
Molecular consequence: missense variant. On other transcripts: non-coding transcript variant (8).
Genome position (GRCh38, 1-based): chr22:26,470,747, G>C on the plus strand (C>G on the coding strand, the complement: HPS4 is on the minus strand). VCF-style: chr22-26470747-G-C. GRCh37 (hg19) VCF-style: chr22-26866713-G-C.
Other names: c.568C>G, p.Leu190Val (NM_001349896.1, NM_001349898.2, NM_001349899.2 and 7 more transcripts); c.553C>G, p.Leu185Val (NM_152841.2); short protein forms L185V, L190V.
Identifiers: ClinVar variation 1968934 (VCV001968934.2), dbSNP rs1291923001, ClinGen allele CA411030440.